The following is an entry in ClinVar:

ClinVar aggregate classification (germline): Uncertain significance (1 of 4 stars; one submission).

Allele frequency attached by ClinVar (database versions not stated): gnomAD exomes 0.00001; gnomAD 0.00002; TOPMed 0.00002; ESP Exome Variant Server 0.00008.
gnomAD v4.1: 14 of 1,607,544 alleles (0.00087%); highest among the groups gnomAD compares: Non-Finnish European, 0.0012%; no homozygotes.

Submission:

Labcorp Genetics (formerly Invitae), Labcorp
Classification: Uncertain significance. Last evaluated: 2023-08-30. Review status: criteria provided, single submitter. Criteria: Invitae Variant Classification Sherloc (09022015). Collection method: clinical testing. Allele origin: germline.
Comment: This variant is present in population databases (rs369414715, gnomAD 0.002%). In summary, the available evidence is currently insufficient to determine the role of this variant in disease. Therefore, it has been classified as a Variant of Uncertain Significance. Variants that disrupt the consensus splice site are a relatively common cause of aberrant splicing (PMID: 17576681, 9536098). Algorithms developed to predict the effect of sequence changes on RNA splicing suggest that this variant is not likely to affect RNA splicing. This variant has not been reported in the literature in individuals affected with REN-related conditions. This sequence change falls in intron 3 of the REN gene. It does not directly change the encoded amino acid sequence of the REN protein. It affects a nucleotide within the consensus splice site.

Literature cited by the submitters: PubMed 17576681; PubMed 9536098.

NM_000537.4(REN):c.374-3C>T

Gene: REN (renin; minus strand). Cytogenetic location: 1q32.1.
Variant type: single nucleotide variant.
Coding change: c.374-3C>T on transcript NM_000537.4 (MANE Select); 3 bases into the intron before coding-DNA position 374, C replaced by T.
Molecular consequence: intron variant.
Genome position (GRCh38, 1-based): chr1:204,160,681, G>A on the plus strand (C>T on the coding strand, the complement: REN is on the minus strand). VCF-style: chr1-204160681-G-A. GRCh37 (hg19) VCF-style: chr1-204129809-G-A.
Identifiers: ClinVar variation 2851417 (VCV002851417.3), dbSNP rs369414715, ClinGen allele CA35735225.